The following is an entry in ClinVar:

ClinVar aggregate classification (germline): Uncertain significance. Review status: criteria provided, multiple submitters, no conflicts (2 of 4 stars). 2 submissions from 2 submitters: Uncertain significance (2). Last evaluated 2025-09-22.

Conditions:
Inborn genetic diseases. Identifiers: MedGen C0950123, MeSH D030342.

gnomAD v4.1: 10 of 1,584,138 alleles (0.00063%); highest among the groups gnomAD compares: African/African-American, 0.011%; no homozygotes.

Submissions (2):

Ambry Genetics
Classification: Uncertain significance for Inborn genetic diseases. Last evaluated: 2025-09-22. Review status: criteria provided, single submitter. Criteria: Ambry Variant Classification Scheme 2023. Collection method: clinical testing. Allele origin: germline.

Labcorp Genetics (formerly Invitae), Labcorp
Classification: Uncertain significance. Last evaluated: 2022-08-09. Review status: criteria provided, single submitter. Criteria: Invitae Variant Classification Sherloc (09022015). Collection method: clinical testing. Allele origin: germline.
Comment: This sequence change replaces arginine, which is basic and polar, with histidine, which is basic and polar, at codon 531 of the SLC18A3 protein (p.Arg531His). This variant is not present in population databases (gnomAD no frequency). This variant has not been reported in the literature in individuals affected with SLC18A3-related conditions. Algorithms developed to predict the effect of missense changes on protein structure and function output the following: SIFT: "Tolerated"; PolyPhen-2: "Benign"; Align-GVGD: "Class C0". The histidine amino acid residue is found in multiple mammalian species, which suggests that this missense change does not adversely affect protein function. In summary, the available evidence is currently insufficient to determine the role of this variant in disease. Therefore, it has been classified as a Variant of Uncertain Significance.

NM_003055.3(SLC18A3):c.1592G>A (p.Arg531His)

Genes: CHAT (choline O-acetyltransferase; plus strand), SLC18A3 (solute carrier family 18 member A3; plus strand). Cytogenetic location: 10q11.23.
Variant type: single nucleotide variant.
Coding change: c.1592G>A on transcript NM_003055.3 (MANE Select); coding-DNA position 1592, G replaced by A.
Protein change: p.Arg531His; replaces arginine 531 with histidine.
Molecular consequence: missense variant. On other transcripts: intron variant (1).
Genome position (GRCh38, 1-based): chr10:49,612,332, G>A. VCF-style: chr10-49612332-G-A. GRCh37 (hg19) VCF-style: chr10-50820378-G-A.
Other names: c.-69+3133G>A (NM_020984.4); short protein forms R531H.
Identifiers: ClinVar variation 1948045 (VCV001948045.2), dbSNP rs1454924192, ClinGen allele CA376724095.